The following is an entry in ClinVar:

NM_001379081.2(FREM1):c.6144G>A (p.Val2048=)

Gene: FREM1 (FRAS1 related extracellular matrix 1; minus strand). Cytogenetic location: 9p22.3.
Variant type: single nucleotide variant.
Coding change: c.6144G>A on transcript NM_001379081.2 (MANE Select); coding-DNA position 6144, G replaced by A.
Protein change: p.Val2048=; no amino-acid change (valine 2048 retained).
Molecular consequence: synonymous variant. On other transcripts: non-coding transcript variant (3), intron variant (1).
Genome position (GRCh38, 1-based): chr9:14,746,463, C>T on the plus strand (G>A on the coding strand, the complement: FREM1 is on the minus strand). VCF-style: chr9-14746463-C-T. GRCh37 (hg19) VCF-style: chr9-14746461-C-T.
Other names: c.6144G>A, p.Val2048= (NM_144966.7); c.1596+460G>A (NM_001370058.2); c.1752G>A, p.Val584= (NM_001177704.3, NM_001370061.2); c.6144G>A (NM_144966.5).
Identifiers: ClinVar variation 2712727 (VCV002712727.5), dbSNP rs151184853, ClinGen allele CA4989518.

ClinVar aggregate classification (germline): Likely benign. Review status: criteria provided, single submitter (1 of 4 stars). 2 submissions from 2 submitters: Likely benign (1). 1 of the submissions does not count toward it. Last evaluated 2023-08-27.

Conditions:
FREM1-related disorder. Also called: FREM1-Related Disorders; FREM1-related condition.

Allele frequency attached by ClinVar (database versions not stated): ExAC 0.00005; TOPMed 0.00006; ESP Exome Variant Server 0.00008; gnomAD 0.00009; gnomAD exomes 0.00009; 1000 Genomes Project 30x 0.00031; 1000 Genomes Project 0.00040.
gnomAD v4.1: 150 of 1,612,332 alleles (0.0093%); highest among the groups gnomAD compares: Non-Finnish European, 0.011%; no homozygotes.

Submissions (2):

Labcorp Genetics (formerly Invitae), Labcorp
Classification: Likely benign. Last evaluated: 2023-08-27. Review status: criteria provided, single submitter. Criteria: Invitae Variant Classification Sherloc (09022015). Collection method: clinical testing. Allele origin: germline.

PreventionGenetics, part of Exact Sciences
Classification: Likely benign for FREM1-related condition. Last evaluated: 2020-02-17. Review status: no assertion criteria provided. Collection method: clinical testing. Allele origin: germline. Not counted in ClinVar's aggregate classification.
Comment: This variant is classified as likely benign based on ACMG/AMP sequence variant interpretation guidelines (Richards et al. 2015 PMID: 25741868, with internal and published modifications).